The following is an entry in ClinVar:

NM_016284.5(CNOT1):c.6625C>T (p.Arg2209Cys)

Gene: CNOT1 (CCR4-NOT transcription complex subunit 1; minus strand). Cytogenetic location: 16q21.
Variant type: single nucleotide variant.
Coding change: c.6625C>T on transcript NM_016284.5 (MANE Select); coding-DNA position 6625, C replaced by T.
Protein change: p.Arg2209Cys; replaces arginine 2209 with cysteine.
Molecular consequence: missense variant. On other transcripts: non-coding transcript variant (1).
Genome position (GRCh38, 1-based): chr16:58,525,338, G>A on the plus strand (C>T on the coding strand, the complement: CNOT1 is on the minus strand). VCF-style: chr16-58525338-G-A. GRCh37 (hg19) VCF-style: chr16-58559242-G-A.
Other names: c.6610C>T, p.Arg2204Cys (NM_001265612.2); short protein forms R2204C, R2209C.
Identifiers: ClinVar variation 2646571 (VCV002646571.24), dbSNP rs1013869212, ClinGen allele CA281671428.

ClinVar aggregate classification (germline): Uncertain significance (1 of 4 stars; one submission).

Allele frequency attached by ClinVar (database versions not stated): gnomAD exomes below 0.00001; TOPMed below 0.00001.
gnomAD v4.1: 3 of 1,613,414 alleles (0.00019%); highest among the groups gnomAD compares: East Asian, 0.0022%; no homozygotes.

Submission:

CeGaT Center for Human Genetics Tuebingen
Classification: Uncertain significance. Last evaluated: 2022-06-01. Review status: criteria provided, single submitter. Criteria: CeGaT Center For Human Genetics Tuebingen Variant Classification Criteria Version 2. Collection method: clinical testing. Allele origin: germline. Affected: yes. Observed: 1 variant allele.
Comment: CNOT1: PM2, PP2